The following is an entry in ClinVar:

NM_001369268.1(ACAN):c.2548A>G (p.Ser850Gly)

Gene: ACAN (aggrecan; plus strand). Cytogenetic location: 15q26.1.
Variant type: single nucleotide variant.
Coding change: c.2548A>G on transcript NM_001369268.1 (MANE Select); coding-DNA position 2548, A replaced by G.
Protein change: p.Ser850Gly; replaces serine 850 with glycine.
Molecular consequence: missense variant.
Genome position (GRCh38, 1-based): chr15:88,855,133, A>G. VCF-style: chr15-88855133-A-G. GRCh37 (hg19) VCF-style: chr15-89398364-A-G.
Other names: c.2548A>G, p.Ser850Gly (NM_001135.4, NM_013227.4); short protein forms S850G.
Identifiers: ClinVar variation 770629 (VCV000770629.12), dbSNP rs150116620, ClinGen allele CA7719898.
Genomic context (GRCh38, chr15:88,855,133, plus strand): 5'-TCCCCCTCAGAGGAACCATCAGCCTCGGAAGAGCCGTATACACCTTCACCCCCCGTGCCC[A>G]GCTGGACTGAGCTGCCCAGCTCTGGGGAGGAATCTGGGGCCCCTGATGTCAGTGGTGACT-3'
Protein context (NP_001356197.1, residues 840-860): EPYTPSPPVP[Ser850Gly]WTELPSSGEE

ClinVar aggregate classification (germline): Benign/Likely benign. Review status: criteria provided, multiple submitters, no conflicts (2 of 4 stars). 4 submissions from 4 submitters: Benign (1); Likely benign (3). Last evaluated 2026-05-18.

Allele frequency attached by ClinVar (database versions not stated): gnomAD exomes 0.00037 and 0.00085; ExAC 0.00121; 1000 Genomes Project 0.00260; 1000 Genomes Project 30x 0.00281; gnomAD 0.00352 and 0.00386; TOPMed 0.00386; ESP Exome Variant Server 0.00392.
gnomAD v4.1: 1,084 of 1,608,722 alleles (0.067%); highest among the groups gnomAD compares: African/African-American, 1.3%; 10 homozygotes.

Submissions (4):

Women's Health and Genetics/Laboratory Corporation of America, LabCorp
Classification: Likely benign. Last evaluated: 2026-05-18. Review status: criteria provided, single submitter. Criteria: LabCorp Variant Classification Summary - May 2015. Collection method: clinical testing. Allele origin: germline.
Comment: Variant summary: ACAN c.2548A>G (p.Ser850Gly) results in a non-conservative amino acid change in the encoded protein sequence. Algorithms developed to predict the effect of missense changes on protein structure and function are either unavailable or do not agree on the potential impact of this missense change. The variant allele was found at a frequency of 0.00085 in 245256 control chromosomes, predominantly at a frequency of 0.012 within the African or African-American subpopulation in the gnomAD database, including 1 homozygotes. The observed variant frequency within African or African-American control individuals in the gnomAD database exceeds the estimated maximal expected allele frequency for disease-causing variants in ACAN. To our knowledge, no occurrence of c.2548A>G in individuals affected with ACAN-related conditions and no experimental evidence demonstrating its impact on protein function have been reported. ClinVar contains an entry for this variant (Variation ID: 770629). Based on the evidence outlined above, the variant was classified as likely benign.

CeGaT Center for Human Genetics Tuebingen
Classification: Likely benign. Last evaluated: 2025-03-01. Review status: criteria provided, single submitter. Criteria: CeGaT Center For Human Genetics Tuebingen Variant Classification Criteria Version 2. Collection method: clinical testing. Allele origin: germline. Affected: yes. Observed: 1 variant allele.
Comment: ACAN: BP4, BS1

Blueprint Genetics
Classification: Likely benign. Last evaluated: 2024-11-14. Review status: criteria provided, single submitter. Criteria: ACMG Guidelines, 2015. Collection method: clinical testing. Allele origin: germline.

Labcorp Genetics (formerly Invitae), Labcorp
Classification: Benign. Last evaluated: 2017-04-19. Review status: criteria provided, single submitter. Criteria: Invitae Variant Classification Sherloc (09022015). Collection method: clinical testing. Allele origin: germline.